The following is an entry in ClinVar:

NM_000080.4(CHRNE):c.1064del (p.Gly355fs)

Genes: CHRNE (cholinergic receptor nicotinic epsilon subunit; minus strand), LOC130060041 (ATAC-STARR-seq lymphoblastoid silent region 8050; plus strand). Cytogenetic location: 17p13.2.
Variant type: Deletion.
Coding change: c.1064del on transcript NM_000080.4 (MANE Select); coding-DNA position 1064, one base deleted (G; older notation c.1064delG).
Protein change: p.Gly355fs; shifts the reading frame from glycine 355.
Molecular consequence: frameshift variant.
Genome position (GRCh38, 1-based): chr17:4,899,353, C deleted on the plus strand (G on the coding strand, the reverse complement: CHRNE is on the minus strand); the first of 3 consecutive C bases (chr17:4,899,353-4,899,355); deleting any one gives the same sequence. VCF-style (leftmost placement, unchanged base first): chr17-4899352-GC-G. GRCh37 (hg19) VCF-style: chr17-4802647-GC-G.
Other names: short protein forms G355fs.
Identifiers: ClinVar variation 1687321 (VCV001687321.4), dbSNP rs1567636622, ClinGen allele CA624855894.
Genomic context (GRCh38, chr17:4,899,352, plus strand): 5'-CACCGACGACGCCCGCCTTGGGGGCGAGGCGGCCCGGGGGGCCTCGGGCGGCGGCGGGGA[GC>G]CCAGGAGGCGCGGCAGCAGCTCCAGGAGAACCTGGGGCAGGGGCGGGGCTTAGGGGACGA-3'

ClinVar aggregate classification (germline): Pathogenic. Review status: criteria provided, multiple submitters, no conflicts (2 of 4 stars). 2 submissions from 2 submitters: Pathogenic (2). Last evaluated 2024-01-22.

Conditions:
Congenital myasthenic syndrome 4B. Also called: Myasthenic syndrome, congenital, 4b, fast-channel. Identifiers: Orphanet 590, MedGen C4225369, MONDO:0014586, OMIM 616324.
Congenital myasthenic syndrome 4A. Also called: CONGENITAL MYASTHENIC SYNDROME TYPE Ia1; Myasthenic syndrome, congenital, 4a, slow-channel; MYASTHENIC SYNDROME, CONGENITAL, 4A, SLOW-CHANNEL, AUTOSOMAL RECESSIVE. Identifiers: Orphanet 590, MedGen C4225413, MONDO:0011600, OMIM 605809.

Submissions (2):

Labcorp Genetics (formerly Invitae), Labcorp
Classification: Pathogenic for Congenital myasthenic syndrome 4A. Last evaluated: 2024-01-22. Review status: criteria provided, single submitter. Criteria: Invitae Variant Classification Sherloc (09022015). Collection method: clinical testing. Allele origin: germline.
Comment: This sequence change creates a premature translational stop signal (p.Gly355Alafs*30) in the CHRNE gene. It is expected to result in an absent or disrupted protein product. Loss-of-function variants in CHRNE are known to be pathogenic (PMID: 22678886). The frequency data for this variant in the population databases is considered unreliable, as metrics indicate poor data quality at this position in the gnomAD database. This variant has not been reported in the literature in individuals affected with CHRNE-related conditions. ClinVar contains an entry for this variant (Variation ID: 1687321). For these reasons, this variant has been classified as Pathogenic.

3billion
Classification: Pathogenic for Congenital myasthenic syndrome 4B. Last evaluated: 2022-05-22. Review status: criteria provided, single submitter. Criteria: ACMG Guidelines, 2015. Collection method: clinical testing. Allele origin: germline. Affected: yes. Observed: 1 homozygote.
Comment: The variant is observed at an extremely low frequency in the gnomAD v2.1.1 dataset (total allele frequency: <0.001%). Frameshift: predicted to result in a loss or disruption of normal protein function through nonsense-mediated decay (NMD) or protein truncation. Multiple pathogenic variants are reported downstream of the variant. The patient's phenotype is considered compatilble with CHRNE related disorder (3billion dataset). Therefore, this variant is classified as pathogenic according to the recommendation of ACMG/AMP guideline.

Literature cited by the submitters: PubMed 22678886 (cited by Labcorp Genetics (formerly Invitae), Labcorp).